The following is an entry in ClinVar:

NM_001048174.2(MUTYH):c.1202G>A (p.Gly401Glu)

Gene: MUTYH (mutY DNA glycosylase; minus strand). Cytogenetic location: 1p34.1.
Variant type: single nucleotide variant.
Coding change: c.1202G>A on transcript NM_001048174.2 (MANE Select); coding-DNA position 1202, G replaced by A.
Protein change: p.Gly401Glu; replaces glycine 401 with glutamic acid.
Molecular consequence: missense variant. On other transcripts: non-coding transcript variant (2).
Genome position (GRCh38, 1-based): chr1:45,331,457, C>T on the plus strand (G>A on the coding strand, the complement: MUTYH is on the minus strand). VCF-style: chr1-45331457-C-T. GRCh37 (hg19) VCF-style: chr1-45797129-C-T.
Other names: c.1202G>A, p.Gly401Glu (NM_001048171.2, NM_001048173.2, NM_001293195.2); c.1205G>A, p.Gly402Glu (NM_001048172.2); c.1286G>A, p.Gly429Glu (NM_001128425.2); c.1247G>A, p.Gly416Glu (NM_001293190.2); c.1235G>A, p.Gly412Glu (NM_001293191.2); c.926G>A, p.Gly309Glu (NM_001293192.2, NM_001293196.2); c.857G>A, p.Gly286Glu (NM_001350650.2, NM_001350651.2); c.1277G>A, p.Gly426Glu (NM_012222.3); short protein forms G286E, G309E, G416E, G426E, G412E, G429E, G401E, G402E.
Identifiers: ClinVar variation 651596 (VCV000651596.9), dbSNP rs1570372277, ClinGen allele CA340132891.

ClinVar aggregate classification (germline): Uncertain significance. Review status: criteria provided, multiple submitters, no conflicts (2 of 4 stars). 2 submissions from 2 submitters: Uncertain significance (2). Last evaluated 2025-08-27.

Conditions:
Familial adenomatous polyposis 2. Also called: COLORECTAL ADENOMATOUS POLYPOSIS, AUTOSOMAL RECESSIVE; ADENOMAS, MULTIPLE COLORECTAL, AUTOSOMAL RECESSIVE; MYH-associated polyposis; MUTYH Polyposis; Adenomas, multiple colorectal; MUTYH-associated polyposis. Identifiers: Orphanet 220460, Orphanet 247798, MedGen C3272841, MONDO:0012041, OMIM 608456.
Hereditary cancer-predisposing syndrome. Also called: Tumor predisposition; Neoplastic Syndromes, Hereditary; Hereditary Cancer Syndrome; Hereditary neoplastic syndrome. Identifiers: Orphanet 140162, MedGen C0027672, MeSH D009386, MONDO:0015356.

Allele frequency attached by ClinVar (database versions not stated): gnomAD exomes below 0.00001.

Submissions (2):

Ambry Genetics
Classification: Uncertain significance for Hereditary cancer-predisposing syndrome. Last evaluated: 2025-08-27. Review status: criteria provided, single submitter. Criteria: Ambry Variant Classification Scheme 2023. Collection method: clinical testing. Allele origin: germline.
Comment: The p.G429E variant (also known as c.1286G>A), located in coding exon 13 of the MUTYH gene, results from a G to A substitution at nucleotide position 1286. The glycine at codon 429 is replaced by glutamic acid, an amino acid with similar properties. This amino acid position is conserved. In addition, this alteration is predicted to be deleterious by in silico analysis. Based on the available evidence, the clinical significance of this variant remains unclear.

Labcorp Genetics (formerly Invitae), Labcorp
Classification: Uncertain significance for Familial adenomatous polyposis 2. Last evaluated: 2022-12-18. Review status: criteria provided, single submitter. Criteria: Invitae Variant Classification Sherloc (09022015). Collection method: clinical testing. Allele origin: germline.
Comment: ClinVar contains an entry for this variant (Variation ID: 651596). In summary, the available evidence is currently insufficient to determine the role of this variant in disease. Therefore, it has been classified as a Variant of Uncertain Significance. Algorithms developed to predict the effect of missense changes on protein structure and function are either unavailable or do not agree on the potential impact of this missense change (SIFT: "Tolerated"; PolyPhen-2: "Possibly Damaging"; Align-GVGD: "Class C0"). This variant has not been reported in the literature in individuals affected with MUTYH-related conditions. This variant is not present in population databases (gnomAD no frequency). This sequence change replaces glycine, which is neutral and non-polar, with glutamic acid, which is acidic and polar, at codon 429 of the MUTYH protein (p.Gly429Glu).